The following is an entry in ClinVar:

NM_006929.5(SKIC2):c.1586T>C (p.Met529Thr)

Gene: SKIC2 (SKI2 subunit of superkiller complex; plus strand). Cytogenetic location: 6p21.33.
Variant type: single nucleotide variant.
Coding change: c.1586T>C on transcript NM_006929.5 (MANE Select); coding-DNA position 1586, T replaced by C.
Protein change: p.Met529Thr; replaces methionine 529 with threonine.
Molecular consequence: missense variant.
Genome position (GRCh38, 1-based): chr6:31,963,672, T>C. VCF-style: chr6-31963672-T-C. GRCh37 (hg19) VCF-style: chr6-31931449-T-C.
Other names: short protein forms M529T.
Identifiers: ClinVar variation 1932642 (VCV001932642.5), dbSNP rs1165461512, ClinGen allele CA363458919.
Genomic context (GRCh38, chr6:31,963,672, plus strand): 5'-GTGGCTACCCCTCCCTGTGCCCCAGGTACTATGCAGCTGTGGAGGCCAAGAAGGAGAGAA[T>C]GAGCAAACACGCCCAGACCTTTGGGGCCAAGCAGCCCACACATCAGGGGGGCCCTGCACA-3'
Protein context (NP_008860.4, residues 519-539): YAAVEAKKER[Met529Thr]SKHAQTFGAK

ClinVar aggregate classification (germline): Uncertain significance (1 of 4 stars; one submission).

Allele frequency attached by ClinVar (database versions not stated): gnomAD exomes below 0.00001.
gnomAD v4.1: 1 of 1,556,804 alleles (0.000064%); no homozygotes.

Submission:

Labcorp Genetics (formerly Invitae), Labcorp
Classification: Uncertain significance. Last evaluated: 2022-09-07. Review status: criteria provided, single submitter. Criteria: Invitae Variant Classification Sherloc (09022015). Collection method: clinical testing. Allele origin: germline.
Comment: In summary, the available evidence is currently insufficient to determine the role of this variant in disease. Therefore, it has been classified as a Variant of Uncertain Significance. Algorithms developed to predict the effect of missense changes on protein structure and function output the following: SIFT: "Tolerated"; PolyPhen-2: "Benign"; Align-GVGD: "Class C0". The threonine amino acid residue is found in multiple mammalian species, which suggests that this missense change does not adversely affect protein function. This variant has not been reported in the literature in individuals affected with SKIV2L-related conditions. This variant is not present in population databases (gnomAD no frequency). This sequence change replaces methionine, which is neutral and non-polar, with threonine, which is neutral and polar, at codon 529 of the SKIV2L protein (p.Met529Thr).